The following is an entry in ClinVar:

ClinVar aggregate classification (germline): Uncertain significance (1 of 4 stars; one submission).

Conditions:
Inborn genetic diseases. Identifiers: MedGen C0950123, MeSH D030342.

Allele frequency attached by ClinVar (database versions not stated): gnomAD exomes below 0.00001.
gnomAD v4.1: 1 of 1,614,004 alleles (0.000062%); highest among the groups gnomAD compares: Non-Finnish European, 0.000085%; no homozygotes.

Submission:

Ambry Genetics
Classification: Uncertain significance for Inborn genetic diseases. Last evaluated: 2020-11-18. Review status: criteria provided, single submitter. Criteria: Ambry Variant Classification Scheme 2023. Collection method: clinical testing. Allele origin: germline.
Comment: The c.3664G>A (p.G1222R) alteration is located in exon 21 (coding exon 21) of the TANC2 gene. This alteration results from a G to A substitution at nucleotide position 3664, causing the glycine (G) at amino acid position 1222 to be replaced by an arginine (R). Based on data from the Genome Aggregation Database (gnomAD), the TANC2 c.3664G>A alteration was not observed, with coverage at this position. This amino acid position is highly conserved in available vertebrate species. The p.G1222R alteration is predicted to be deleterious by in silico analysis. Based on insufficient or conflicting evidence, the clinical significance of this alteration remains unclear.

NM_001394998.1(TANC2):c.3886G>A (p.Gly1296Arg)

Genes: TANC2 (tetratricopeptide repeat, ankyrin repeat and coiled-coil containing 2; plus strand), LOC105371856 (uncharacterized LOC105371856; minus strand). Cytogenetic location: 17q23.3.
Variant type: single nucleotide variant.
Coding change: c.3886G>A on transcript NM_001394998.1 (MANE Select); coding-DNA position 3886, G replaced by A.
Protein change: p.Gly1296Arg; replaces glycine 1296 with arginine.
Molecular consequence: missense variant.
Genome position (GRCh38, 1-based): chr17:63,412,118, G>A. VCF-style: chr17-63412118-G-A. GRCh37 (hg19) VCF-style: chr17-61489479-G-A.
Other names: c.3664G>A, p.Gly1222Arg (NM_001411076.1, NM_025185.4); short protein forms G1222R, G1296R.
Identifiers: ClinVar variation 2227924 (VCV002227924.2), dbSNP rs2510460562, ClinGen allele CA400536920.